The following is an entry in ClinVar:

ClinVar aggregate classification (germline): Likely benign (1 of 4 stars; one submission).

Submission:

GeneDx
Classification: Likely benign. Last evaluated: 2017-10-20. Review status: criteria provided, single submitter. Criteria: GeneDx Variant Classification (06012015). Collection method: clinical testing. Allele origin: germline. Affected: yes.
Comment: This variant is considered likely benign or benign based on one or more of the following criteria: it is a conservative change, it occurs at a poorly conserved position in the protein, it is predicted to be benign by multiple in silico algorithms, and/or has population frequency not consistent with disease.

NM_001352514.2(HLCS):c.972C>T (p.Gly324=)

Gene: HLCS (holocarboxylase synthetase; minus strand). Cytogenetic location: 21q22.13.
Variant type: single nucleotide variant.
Coding change: c.972C>T on transcript NM_001352514.2 (MANE Select); coding-DNA position 972, C replaced by T.
Protein change: p.Gly324=; no amino-acid change (glycine 324 retained).
Molecular consequence: synonymous variant. On other transcripts: non-coding transcript variant (2).
Genome position (GRCh38, 1-based): chr21:36,936,914, G>A on the plus strand (C>T on the coding strand, the complement: HLCS is on the minus strand). VCF-style: chr21-36936914-G-A. GRCh37 (hg19) VCF-style: chr21-38309214-G-A.
Other names: c.531C>T, p.Gly177= (NM_000411.8, NM_001242784.3, NM_001242785.2 and 4 more transcripts).
Identifiers: ClinVar variation 512563 (VCV000512563.1), dbSNP rs1555956621, ClinGen allele CA512325906.
Genomic context (GRCh38, chr21:36,936,914, plus strand): 5'-GAGAATATAACTGTCAATGTCCACACAGTCGGCCAGCACAGACCGGACCTCGTGGAACCG[G>A]CCGAGGGCTTCCTGGGAGTCGGAGCCCACATAGAGGAGGATGTTGGGTGCCTTTCCCGTG-3'
Protein context (NP_001339443.1, residues 314-334): YVGSDSQEAL[Gly324=]RFHEVRSVLA